The following is an entry in ClinVar:

ClinVar aggregate classification (germline): Pathogenic (1 of 4 stars; one submission).

Submission:

Labcorp Genetics (formerly Invitae), Labcorp
Classification: Pathogenic. Last evaluated: 2023-09-25. Review status: criteria provided, single submitter. Criteria: Invitae Variant Classification Sherloc (09022015). Collection method: clinical testing. Allele origin: germline.
Comment: This variant is a gross deletion of the genomic region encompassing exon(s) 1-10 of the CWC27 gene, which includes the initiator codon. This deletion extends beyond the assayed region for this gene and therefore may encompass additional genes. It is expected to result in an absent or disrupted protein product. Loss-of-function variants in CWC27 are known to be pathogenic (PMID: 28285769). This variant has not been reported in the literature in individuals affected with CWC27-related conditions. For these reasons, this variant has been classified as Pathogenic.

Literature cited by the submitters: PubMed 28285769.

NC_000005.9:g.(?_64064974)_(64100233_?)del

Gene: CWC27 (CWC27 spliceosome associated cyclophilin; plus strand). Cytogenetic location: 5q12.3.
Variant type: Deletion.
Identifiers: ClinVar variation 2425424 (VCV002425424.4).